The following is an entry in ClinVar:

NM_000038.6(APC):c.6079C>T (p.Leu2027Phe)

Gene: APC (APC regulator of Wnt signaling pathway; plus strand). Cytogenetic location: 5q22.2.
Variant type: single nucleotide variant.
Coding change: c.6079C>T on transcript NM_000038.6 (MANE Select); coding-DNA position 6079, C replaced by T.
Protein change: p.Leu2027Phe; replaces leucine 2027 with phenylalanine.
Molecular consequence: missense variant. On other transcripts: non-coding transcript variant (2).
Genome position (GRCh38, 1-based): chr5:112,841,673, C>T. VCF-style: chr5-112841673-C-T. GRCh37 (hg19) VCF-style: chr5-112177370-C-T.
Other names: c.6079C>T, p.Leu2027Phe (NM_001127510.3, NM_001354895.2, NM_001407450.1); c.6025C>T, p.Leu2009Phe (NM_001127511.3); c.6133C>T, p.Leu2045Phe (NM_001354896.2, NM_001407447.1, NM_001407448.1 and 1 more transcripts); c.6109C>T, p.Leu2037Phe (NM_001354897.2); c.6004C>T, p.Leu2002Phe (NM_001354898.2); c.5995C>T, p.Leu1999Phe (NM_001354899.2); c.5956C>T, p.Leu1986Phe (NM_001354900.2); c.5902C>T, p.Leu1968Phe (NM_001354901.2, NM_001407453.1); and 11 more; short protein forms L1643F, L1901F, L1936F, L1944F, L1744F, L1867F, L1968F, L2017F.
Identifiers: ClinVar variation 3303981 (VCV003303981.1).
Genomic context (GRCh38, chr5:112,841,673, plus strand): 5'-TATGCTCCTAAATCATTTCATGTTGAAGATACCCCAGTTTGTTTCTCAAGAAACAGTTCT[C>T]TCAGTTCTCTTAGTATTGACTCTGAAGATGACCTGTTGCAGGAATGTATAAGCTCCGCAA-3'
Protein context (NP_000029.2, residues 2017-2037): TPVCFSRNSS[Leu2027Phe]SSLSIDSEDD

ClinVar aggregate classification (germline): Uncertain significance (1 of 4 stars; one submission).

Conditions:
Hereditary cancer-predisposing syndrome. Also called: Tumor predisposition; Hereditary Cancer Syndrome; Hereditary neoplastic syndrome; Neoplastic Syndromes, Hereditary. Identifiers: Orphanet 140162, MedGen C0027672, MeSH D009386, MONDO:0015356.

gnomAD v4.1: 2 of 1,613,844 alleles (0.00012%); highest among the groups gnomAD compares: Non-Finnish European, 0.00017%; no homozygotes.

Submission:

Ambry Genetics
Classification: Uncertain significance for Hereditary cancer-predisposing syndrome. Last evaluated: 2024-03-18. Review status: criteria provided, single submitter. Criteria: Ambry Variant Classification Scheme 2023. Collection method: clinical testing. Allele origin: germline.
Comment: The p.L2027F variant (also known as c.6079C>T), located in coding exon 15 of the APC gene, results from a C to T substitution at nucleotide position 6079. The leucine at codon 2027 is replaced by phenylalanine, an amino acid with highly similar properties. This amino acid position is conserved. In addition, in silico predictors for this gene do not accurately predict pathogenicity. Based on the available evidence, the clinical significance of this alteration remains unclear.